The following is an entry in ClinVar:

NM_000052.7(ATP7A):c.2576A>G (p.Asp859Gly)

Gene: ATP7A (ATPase copper transporting alpha; plus strand). Cytogenetic location: Xq21.1.
Variant type: single nucleotide variant.
Coding change: c.2576A>G on transcript NM_000052.7 (MANE Select); coding-DNA position 2576, A replaced by G.
Protein change: p.Asp859Gly; replaces aspartic acid 859 with glycine.
Molecular consequence: missense variant.
Genome position (GRCh38, 1-based): chrX:78,015,831, A>G. VCF-style: chrX-78015831-A-G. GRCh37 (hg19) VCF-style: chrX-77271328-A-G.
Other names: c.2342A>G, p.Asp781Gly (NM_001282224.2); short protein forms D781G, D859G.
Identifiers: ClinVar variation 929465 (VCV000929465.3), dbSNP rs2077859082, ClinGen allele CA413601081.

ClinVar aggregate classification (germline): Pathogenic (0 of 4 stars; one submission).

Conditions:
Cutis laxa, X-linked (OHS). Also called: EDS IX; Occipital horn syndrome. Identifiers: Orphanet 198, MedGen C0268353, MONDO:0010572, OMIM 304150.
X-linked distal spinal muscular atrophy type 3. Also called: SPINAL MUSCULAR ATROPHY, DISTAL, X-LINKED RECESSIVE; NEURONOPATHY, DISTAL HEREDITARY MOTOR, X-LINKED; NEUROPATHY, DISTAL HEREDITARY MOTOR, X-LINKED; ATP7A-Related Distal Motor Neuropathy. Identifiers: Orphanet 139557, MedGen C1845359, MONDO:0010338, OMIM 300489.

Submission:

Clinical Genetics, CHU Rennes
Classification: Pathogenic for X-linked distal spinal muscular atrophy type 3; Cutis laxa, X-linked. Last evaluated: 2020-06-14. Review status: no assertion criteria provided. Collection method: clinical testing. Allele origin: unknown. Inheritance: Sporadic. Affected: yes. Observed: 1 hemizygote.
Comment: The affected amino acid is highly conserved across species. It is located in the actuator domain of the protein, next to a potential p97/VCP binding site (24). The pathogenic variant was not found in several databases (GnomAD, Ensembl, ClinVar, dbSNP). It was predicted deleterious by four softwares (SIFT, Polyphen, UMDP, GERP). Classification of the variant is 4 : likely pathogenic.